The following is an entry in ClinVar:

NM_000553.6(WRN):c.4033A>G (p.Thr1345Ala)

Gene: WRN (WRN RecQ like helicase; plus strand). Cytogenetic location: 8p12.
Variant type: single nucleotide variant.
Coding change: c.4033A>G on transcript NM_000553.6 (MANE Select); coding-DNA position 4033, A replaced by G.
Protein change: p.Thr1345Ala; replaces threonine 1345 with alanine.
Molecular consequence: missense variant.
Genome position (GRCh38, 1-based): chr8:31,167,072, A>G. VCF-style: chr8-31167072-A-G. GRCh37 (hg19) VCF-style: chr8-31024588-A-G.
Other names: short protein forms T1345A.
Identifiers: ClinVar variation 861488 (VCV000861488.6), dbSNP rs774438611, ClinGen allele CA370908863.

ClinVar aggregate classification (germline): Uncertain significance (1 of 4 stars; one submission).

Conditions:
Werner syndrome (WRN). Identifiers: Orphanet 902, MedGen C0043119, MONDO:0010196, OMIM 277700.

gnomAD v4.1: 1 of 1,613,378 alleles (0.000062%); highest among the groups gnomAD compares: Non-Finnish European, 0.000085%; no homozygotes.

Submission:

Labcorp Genetics (formerly Invitae), Labcorp
Classification: Uncertain significance for Werner syndrome. Last evaluated: 2022-09-03. Review status: criteria provided, single submitter. Criteria: Invitae Variant Classification Sherloc (09022015). Collection method: clinical testing. Allele origin: germline.
Comment: This sequence change replaces threonine, which is neutral and polar, with alanine, which is neutral and non-polar, at codon 1345 of the WRN protein (p.Thr1345Ala). In summary, the available evidence is currently insufficient to determine the role of this variant in disease. Therefore, it has been classified as a Variant of Uncertain Significance. Algorithms developed to predict the effect of missense changes on protein structure and function are either unavailable or do not agree on the potential impact of this missense change (SIFT: "Not Available"; PolyPhen-2: "Benign"; Align-GVGD: "Not Available"). ClinVar contains an entry for this variant (Variation ID: 861488). This variant has not been reported in the literature in individuals affected with WRN-related conditions. This variant is not present in population databases (gnomAD no frequency).